The following is an entry in ClinVar:

ClinVar aggregate classification (germline): Likely benign (1 of 4 stars; one submission).

Submission:

GeneDx
Classification: Likely benign. Last evaluated: 2021-11-04. Review status: criteria provided, single submitter. Criteria: GeneDx Variant Classification Process June 2021. Collection method: clinical testing. Allele origin: germline. Affected: yes.
Comment: See Variant Classification Assertion Criteria.

NM_000414.4(HSD17B4):c.972+55_972+66del

Gene: HSD17B4 (hydroxysteroid 17-beta dehydrogenase 4; plus strand). Cytogenetic location: 5q23.1.
Variant type: Deletion.
Coding change: c.972+55_972+66del on transcript NM_000414.4 (MANE Select); bases 55 to 66 of the intron after coding-DNA position 972, 12 bases deleted (TCTTCCCTCCCT).
Molecular consequence: intron variant.
Genome position (GRCh38, 1-based): chr5:119,496,701-119,496,712, TCTTCCCTCCCT deleted; deleting any 12 consecutive bases within chr5:119,496,691-119,496,712 gives the same sequence; the c. name uses the placement nearest the transcript's 3' end. VCF-style (leftmost placement, unchanged base first): chr5-119496690-TTTCCCTCCCTTC-T. GRCh37 (hg19) VCF-style: chr5-118832385-TTTCCCTCCCTTC-T.
Other names: c.561+55_561+66del (NM_001374503.1, NM_001374502.1, NM_001374501.1); c.1047+55_1047+66del (NM_001199291.3); c.645+55_645+66del (NM_001374499.1); c.531+55_531+66del (NM_001374500.1); c.552+55_552+66del (NM_001292028.2); c.900+55_900+66del (NM_001292027.2); c.972+55_972+66del (NM_001374498.1); c.963+55_963+66del (NM_001374497.1); and 1 more.
Identifiers: ClinVar variation 1691606 (VCV001691606.3), dbSNP rs200594336, ClinGen allele CA3382061.